The following is an entry in ClinVar:

NM_025114.4(CEP290):c.5221C>T (p.Gln1741Ter)

Gene: CEP290 (centrosomal protein 290; minus strand). Cytogenetic location: 12q21.32.
Variant type: single nucleotide variant.
Coding change: c.5221C>T on transcript NM_025114.4 (MANE Select); coding-DNA position 5221, C replaced by T.
Protein change: p.Gln1741Ter; replaces glutamine 1741 with a stop codon.
Molecular consequence: nonsense.
Genome position (GRCh38, 1-based): chr12:88,080,187, G>A on the plus strand (C>T on the coding strand, the complement: CEP290 is on the minus strand). VCF-style: chr12-88080187-G-A. GRCh37 (hg19) VCF-style: chr12-88473964-G-A.
Other names: short protein forms Q1741*.
Identifiers: ClinVar variation 2944049 (VCV002944049.3), dbSNP rs2499907395, ClinGen allele CA385990863.

ClinVar aggregate classification (germline): Pathogenic (1 of 4 stars; one submission).

Conditions:
Joubert syndrome. Also called: CEREBELLOPARENCHYMAL DISORDER IV; JOUBERT-BOLTSHAUSER SYNDROME; Familial aplasia of the vermis. Identifiers: Orphanet 475, MedGen C5979921, MONDO:0018772.
Nephronophthisis. Also called: Juvenile Nephronophthisis. Identifiers: Orphanet 655, MedGen C0687120, MONDO:0019005, HP:0000090.
Meckel-Gruber syndrome. Also called: DYSENCEPHALIA SPLANCHNOCYSTICA; GRUBER SYNDROME; Dysencephalia splachnocystica. Identifiers: Orphanet 564, MedGen C0265215, MONDO:0018921.

gnomAD v4.1: 3 of 1,592,766 alleles (0.00019%); highest among the groups gnomAD compares: African/African-American, 0.0027%; no homozygotes.

Submission:

Labcorp Genetics (formerly Invitae), Labcorp
Classification: Pathogenic for Joubert syndrome; Meckel-Gruber syndrome; Nephronophthisis. Last evaluated: 2023-02-08. Review status: criteria provided, single submitter. Criteria: Invitae Variant Classification Sherloc (09022015). Collection method: clinical testing. Allele origin: germline.
Comment: This sequence change creates a premature translational stop signal (p.Gln1741*) in the CEP290 gene. It is expected to result in an absent or disrupted protein product. Loss-of-function variants in CEP290 are known to be pathogenic (PMID: 16909394, 17345604, 20690115). This variant is not present in population databases (gnomAD no frequency). This variant has not been reported in the literature in individuals affected with CEP290-related conditions. For these reasons, this variant has been classified as Pathogenic.

Literature cited by the submitters: PubMed 16909394; PubMed 17345604; PubMed 20690115.